The following is an entry in ClinVar:

NM_000124.4(ERCC6):c.1009A>T (p.Lys337Ter)

Gene: ERCC6 (ERCC excision repair 6, chromatin remodeling factor; minus strand). Cytogenetic location: 10q11.23.
Variant type: single nucleotide variant.
Coding change: c.1009A>T on transcript NM_000124.4 (MANE Select); coding-DNA position 1009, A replaced by T.
Protein change: p.Lys337Ter; replaces lysine 337 with a stop codon.
Molecular consequence: nonsense.
Genome position (GRCh38, 1-based): chr10:49,524,421, T>A on the plus strand (A>T on the coding strand, the complement: ERCC6 is on the minus strand). VCF-style: chr10-49524421-T-A. GRCh37 (hg19) VCF-style: chr10-50732467-T-A.
Other names: c.1009A>T, p.Lys337Ter (NM_001277058.2, NM_001277059.2, NM_001346440.2); short protein forms K337*.
Identifiers: ClinVar variation 550722 (VCV000550722.15), dbSNP rs1198241866, ClinGen allele CA376753425.
Genomic context (GRCh38, chr10:49,524,421, plus strand): 5'-ACTCCCAAGGTCTCCTTGCCTTTGGCAATCCCACTTTCCCCTGGAACTGCAAAGCCCTCT[T>A]CTGGAGTTTCTTGATGTGCTTTTTCAAACGCTCCTCTTTTTTGGACAGAACTCTGGCTTT-3'

ClinVar aggregate classification (germline): Pathogenic. Review status: criteria provided, multiple submitters, no conflicts (2 of 4 stars). 4 submissions from 4 submitters: Pathogenic (3). 1 of the submissions does not count toward it. Last evaluated 2024-06-20.

Conditions:
DE SANCTIS-CACCHIONE SYNDROME. Identifiers: MedGen C0265201, MONDO:0010217, OMIM 278800.
Cerebrooculofacioskeletal syndrome 1 (COFS1). Also called: Cerebro-oculo-facio-skeletal syndrome 1. Identifiers: MedGen C0220722, MONDO:0008955, OMIM 214150.
Cockayne syndrome type 2 (CSB). Also called: COCKAYNE SYNDROME B; Cockayne Syndrome, Type II. Identifiers: Orphanet 191, Orphanet 90322, MedGen C0751038, MONDO:0019570, OMIM 133540.
Age related macular degeneration 5. Identifiers: MedGen C3151063, MONDO:0013409, OMIM 613761.
Premature ovarian failure 11 (POF11). Identifiers: MedGen C4310783, MONDO:0014843, OMIM 616946.
UV-sensitive syndrome 1 (UVSS1). Identifiers: Orphanet 178338, MedGen C3551173, MONDO:0010909, OMIM 600630.
Lung cancer. Also called: Malignant tumor of lung; Lung cancer, somatic. Identifiers: MedGen C0242379, MONDO:0008903, OMIM 211980.

Allele frequency attached by ClinVar (database versions not stated): gnomAD exomes below 0.00001; TOPMed below 0.00001.
gnomAD v4.1: 1 of 1,614,210 alleles (0.000062%); highest among the groups gnomAD compares: Non-Finnish European, 0.000085%; no homozygotes.

Submissions (4):

Labcorp Genetics (formerly Invitae), Labcorp
Classification: Pathogenic. Last evaluated: 2024-06-20. Review status: criteria provided, single submitter. Criteria: Invitae Variant Classification Sherloc (09022015). Collection method: clinical testing. Allele origin: germline.
Comment: This sequence change creates a premature translational stop signal (p.Lys337*) in the ERCC6 gene. It is expected to result in an absent or disrupted protein product. Loss-of-function variants in ERCC6 are known to be pathogenic (PMID: 18628313, 29572252). This variant is not present in population databases (gnomAD no frequency). This premature translational stop signal has been observed in individual(s) with Cockayne syndrome (PMID: 1339317). In at least one individual the data is consistent with being in trans (on the opposite chromosome) from a pathogenic variant. ClinVar contains an entry for this variant (Variation ID: 550722). For these reasons, this variant has been classified as Pathogenic.

Fulgent Genetics
Classification: Pathogenic for Cockayne syndrome type 2; Lung cancer; Cerebrooculofacioskeletal syndrome 1; DE SANCTIS-CACCHIONE SYNDROME; UV-sensitive syndrome 1; Age related macular degeneration 5; Premature ovarian failure 11. Last evaluated: 2024-01-19. Review status: criteria provided, single submitter. Criteria: ACMG Guidelines, 2015. Collection method: clinical testing. Allele origin: germline.

Laboratory for Molecular Medicine, Mass General Brigham Personalized Medicine
Classification: Pathogenic for Cockayne syndrome type 2. Last evaluated: 2021-02-22. Review status: criteria provided, single submitter. Criteria: LMM Criteria. Collection method: clinical testing. Allele origin: germline. Inheritance: Autosomal recessive inheritance. Observed: 1 variant allele.
Comment: The p.Lys337X variant in ERCC6 has been reported in a compound heterozygous state in an individual with Cockayne syndrome, who carried a second pathogenic variant in ERCC6 (Troelstra 1992 PMID: 1339317, Schmickel 1977 PMID: 887325). It has also been identified in 1/113716 European chromosomes by gnomAD and reported in ClinVar (Variation ID 550722). This nonsense variant leads to a premature termination codon at position 337, which is predicted to lead to a truncated or absent protein. Loss of function of the ERCC6 gene is an established disease mechanism in autosomal recessive Cockayne syndrome. An animal model in ERCC6 has shown that a similar variant causes some features of Cockayne Syndrome including photosensitivity, but only mild deficits in growth and neurologic function (van Der Horst 1997 PMID: 9150142). In summary, this variant meets criteria to be classified as pathogenic for autosomal recessive Cockayne syndrome. ACMG/AMP criteria applied: PVS1, PM2_Suporting, PM3, PS3_Moderate.

Counsyl
Classification: Likely pathogenic for Cockayne syndrome type 2; Cerebrooculofacioskeletal syndrome 1; DE SANCTIS-CACCHIONE SYNDROME. Last evaluated: 2017-02-09. Review status: no assertion criteria provided. Collection method: clinical testing. Allele origin: unknown. Not counted in ClinVar's aggregate classification.

Literature cited by the submitters: PubMed 18628313 (cited by Labcorp Genetics (formerly Invitae), Labcorp); PubMed 29572252 (cited by Labcorp Genetics (formerly Invitae), Labcorp); PubMed 1339317 (cited by Labcorp Genetics (formerly Invitae), Labcorp and Laboratory for Molecular Medicine, Mass General Brigham Personalized Medicine); PubMed 887325 (cited by Laboratory for Molecular Medicine, Mass General Brigham Personalized Medicine); PubMed 9150142 (cited by Laboratory for Molecular Medicine, Mass General Brigham Personalized Medicine); PubMed 11809892 (cited by Counsyl); PubMed 19894250 (cited by Counsyl).